The following is an entry in ClinVar:

ClinVar aggregate classification (germline): Uncertain significance (1 of 4 stars; one submission).

Conditions:
Peroxisome biogenesis disorder 3A (Zellweger). Also called: Peroxisome biogenesis disorder 3A; PEROXISOMAL BIOGENESIS DISORDER 3A (ZELLWEGER). Identifiers: Orphanet 912, MedGen C3553929, MONDO:0013927, OMIM 614859.

Allele frequency attached by ClinVar (database versions not stated): gnomAD exomes below 0.00001; gnomAD 0.00001; TOPMed 0.00001.
gnomAD v4.1: 2 of 1,613,984 alleles (0.00012%); highest among the groups gnomAD compares: African/African-American, 0.0013%; no homozygotes.

Submission:

Labcorp Genetics (formerly Invitae), Labcorp
Classification: Uncertain significance for Peroxisome biogenesis disorder 3A (Zellweger). Last evaluated: 2024-08-27. Review status: criteria provided, single submitter. Criteria: Invitae Variant Classification Sherloc (09022015). Collection method: clinical testing. Allele origin: germline.
Comment: This sequence change replaces glycine, which is neutral and non-polar, with glutamic acid, which is acidic and polar, at codon 184 of the PEX12 protein (p.Gly184Glu). This variant is not present in population databases (gnomAD no frequency). This variant has not been reported in the literature in individuals affected with PEX12-related conditions. ClinVar contains an entry for this variant (Variation ID: 1508989). Invitae Evidence Modeling of protein sequence and biophysical properties (such as structural, functional, and spatial information, amino acid conservation, physicochemical variation, residue mobility, and thermodynamic stability) indicates that this missense variant is not expected to disrupt PEX12 protein function with a negative predictive value of 80%. In summary, the available evidence is currently insufficient to determine the role of this variant in disease. Therefore, it has been classified as a Variant of Uncertain Significance.

NM_000286.3(PEX12):c.551G>A (p.Gly184Glu)

Gene: PEX12 (peroxisomal biogenesis factor 12; minus strand). Cytogenetic location: 17q12.
Variant type: single nucleotide variant.
Coding change: c.551G>A on transcript NM_000286.3 (MANE Select); coding-DNA position 551, G replaced by A.
Protein change: p.Gly184Glu; replaces glycine 184 with glutamic acid.
Molecular consequence: missense variant.
Genome position (GRCh38, 1-based): chr17:35,577,167, C>T on the plus strand (G>A on the coding strand, the complement: PEX12 is on the minus strand). VCF-style: chr17-35577167-C-T. GRCh37 (hg19) VCF-style: chr17-33904186-C-T.
Other names: short protein forms G184E.
Identifiers: ClinVar variation 1508989 (VCV001508989.7), dbSNP rs1241662407, ClinGen allele CA399137888.